The following is an entry in ClinVar:

NM_021096.4(CACNA1I):c.6327G>A (p.Glu2109=)

Gene: CACNA1I (calcium voltage-gated channel subunit alpha1 I; plus strand). Cytogenetic location: 22q13.1.
Variant type: single nucleotide variant.
Coding change: c.6327G>A on transcript NM_021096.4 (MANE Select); coding-DNA position 6327, G replaced by A.
Protein change: p.Glu2109=; no amino-acid change (glutamic acid 2109 retained).
Molecular consequence: synonymous variant.
Genome position (GRCh38, 1-based): chr22:39,686,060, G>A. VCF-style: chr22-39686060-G-A. GRCh37 (hg19) VCF-style: chr22-40082065-G-A.
Other names: c.6222G>A, p.Glu2074= (NM_001003406.2).
Identifiers: ClinVar variation 3038436 (VCV003038436.4), dbSNP rs530117088, ClinGen allele CA324416319.

ClinVar aggregate classification (germline): Likely benign. Review status: criteria provided, single submitter (1 of 4 stars). 2 submissions from 2 submitters: Likely benign (1). 1 of the submissions does not count toward it. Last evaluated 2026-06-01.

Conditions:
CACNA1I-related disorder. Also called: CACNA1I-related condition.

Allele frequency attached by ClinVar (database versions not stated): gnomAD exomes 0.00001; TOPMed 0.00015; 1000 Genomes Project 30x 0.00016; 1000 Genomes Project 0.00020; gnomAD 0.00022.

Submissions (2):

CeGaT Center for Human Genetics Tuebingen
Classification: Likely benign. Last evaluated: 2026-06-01. Review status: criteria provided, single submitter. Criteria: CeGaT Center For Human Genetics Tuebingen Variant Classification Criteria Version 2. Collection method: clinical testing. Allele origin: germline. Affected: yes. Observed: 1 variant allele.
Comment: CACNA1I: BP4, BP7

PreventionGenetics, part of Exact Sciences
Classification: Likely benign for CACNA1I-related condition. Last evaluated: 2019-05-28. Review status: no assertion criteria provided. Collection method: clinical testing. Allele origin: germline. Not counted in ClinVar's aggregate classification.
Comment: This variant is classified as likely benign based on ACMG/AMP sequence variant interpretation guidelines (Richards et al. 2015 PMID: 25741868, with internal and published modifications).